The following is an entry in ClinVar:

NM_000520.6(HEXA):c.718A>T (p.Lys240Ter)

Gene: HEXA (hexosaminidase subunit alpha; minus strand). Cytogenetic location: 15q23.
Variant type: single nucleotide variant.
Coding change: c.718A>T on transcript NM_000520.6 (MANE Select); coding-DNA position 718, A replaced by T.
Protein change: p.Lys240Ter; replaces lysine 240 with a stop codon.
Molecular consequence: nonsense. On other transcripts: non-coding transcript variant (1).
Genome position (GRCh38, 1-based): chr15:72,350,605, T>A on the plus strand (A>T on the coding strand, the complement: HEXA is on the minus strand). VCF-style: chr15-72350605-T-A. GRCh37 (hg19) VCF-style: chr15-72642946-T-A.
Other names: c.751A>T, p.Lys251Ter (NM_001318825.2); short protein forms K240*, K251*.
Identifiers: ClinVar variation 1725324 (VCV001725324.2), dbSNP rs1379381861, ClinGen allele CA393063221.

ClinVar aggregate classification (germline): Likely pathogenic (1 of 4 stars; one submission).

Conditions:
Tay-Sachs disease (TSD). Also called: GM2 gangliosidosis, type 1; Hexosaminidase alpha-subunit deficiency (variant B); Sphingolipidosis, Tay-Sachs; Hexosaminidase A Deficiency; HEXA DEFICIENCY; HEXA Disorders. Identifiers: Orphanet 845, MedGen C0039373, MONDO:0010100, OMIM 272800.

Submission:

Myriad Genetics, Inc.
Classification: Likely pathogenic for Tay-Sachs disease. Last evaluated: 2022-01-02. Review status: criteria provided, single submitter. Criteria: Myriad Women's Health Autosomal Recessive and X-Linked Classification Criteria (2021). Collection method: clinical testing. Allele origin: unknown.
Comment: NM_000520.4(HEXA):c.718A>T(K240*) is expected to be pathogenic in the context of hexosaminidase A deficiency. This variant is predicted to lead to an abnormal or absent protein product due to the creation of a premature termination codon in HEXA, a gene where loss-of-function variants are known to be pathogenic. Please note: this variant was assessed in the context of healthy population screening.